The following is an entry in ClinVar:

NM_001379610.1(SPINK1):c.*51T>C

Gene: SPINK1 (serine peptidase inhibitor Kazal type 1; minus strand). Cytogenetic location: 5q32.
Variant type: single nucleotide variant.
Coding change: c.*51T>C on transcript NM_001379610.1 (MANE Select); 51 bases downstream of the stop codon, T replaced by C.
Molecular consequence: 3 prime UTR variant.
Genome position (GRCh38, 1-based): chr5:147,824,610, A>G on the plus strand (T>C on the coding strand, the complement: SPINK1 is on the minus strand). VCF-style: chr5-147824610-A-G. GRCh37 (hg19) VCF-style: chr5-147204173-A-G.
Other names: c.*51T>C (NM_001354966.2, NM_003122.5).
Identifiers: ClinVar variation 351508 (VCV000351508.6), dbSNP rs113527737, ClinGen allele CA3494732.
Genomic context (GRCh38, chr5:147,824,610, plus strand): 5'-CCTTTGAGGAAAAAGCAAATGGAAACAACAGGGGATATTCAGATACATTTATTCAACAAT[A>G]AGGCCAGTCAGGCCTCGCGGTGACCTGATGGGATTTCAAAACCTTGGTTCTCAGCAAGGC-3'

ClinVar aggregate classification (germline): Likely benign. Review status: criteria provided, multiple submitters, no conflicts (2 of 4 stars). 2 submissions from 2 submitters: Likely benign (2). Last evaluated 2017-04-27.

Conditions:
Hereditary pancreatitis (PCTT). Also called: Hereditary chronic pancreatitis; PRSS1-Related Hereditary Pancreatitis. Identifiers: Orphanet 676, MedGen C0238339, MONDO:0008185, OMIM 167800.

Allele frequency attached by ClinVar (database versions not stated): gnomAD exomes 0.00258; ExAC 0.00310; gnomAD 0.00986 and 0.01047; TOPMed 0.01098; ESP Exome Variant Server 0.01161; 1000 Genomes Project 0.01238; 1000 Genomes Project 30x 0.01515.
gnomAD v4.1: 3,120 of 1,563,590 alleles (0.2%); highest among the groups gnomAD compares: African/African-American, 3.3%; 45 homozygotes.

Submissions (2):

Illumina Laboratory Services, Illumina
Classification: Likely benign for Hereditary pancreatitis. Last evaluated: 2017-04-27. Review status: criteria provided, single submitter. Criteria: ICSL Variant Classification Criteria 13 December 2019. Collection method: clinical testing. Allele origin: germline.
Comment: This variant was observed as part of a predisposition screen in an ostensibly healthy population. A literature search was performed for the gene, cDNA change, and amino acid change (where applicable). No publications were found based on this search. Allele frequency data from public databases allowed determination this variant is unlikely to cause disease. Therefore, this variant is classified as likely benign.

Breakthrough Genomics
Classification: Likely benign. Review status: criteria provided, single submitter. Criteria: ACMG Guidelines, 2015. Collection method: not provided. Allele origin: germline. Inheritance: Autosomal recessive inheritance. Affected: yes.